The following is an entry in ClinVar:

NM_182746.3(MCM4):c.2012A>G (p.Tyr671Cys)

Gene: MCM4 (minichromosome maintenance complex component 4; plus strand). Cytogenetic location: 8q11.21.
Variant type: single nucleotide variant.
Coding change: c.2012A>G on transcript NM_182746.3 (MANE Select); coding-DNA position 2012, A replaced by G.
Protein change: p.Tyr671Cys; replaces tyrosine 671 with cysteine.
Molecular consequence: missense variant.
Genome position (GRCh38, 1-based): chr8:47,972,940, A>G. VCF-style: chr8-47972940-A-G. GRCh37 (hg19) VCF-style: chr8-48885500-A-G.
Other names: c.2012A>G, p.Tyr671Cys (NM_005914.4); short protein forms Y671C.
Identifiers: ClinVar variation 910774 (VCV000910774.7), dbSNP rs991671311, ClinGen allele CA176158353.

ClinVar aggregate classification (germline): Uncertain significance. Review status: criteria provided, multiple submitters, no conflicts (2 of 4 stars). 3 submissions from 3 submitters: Uncertain significance (3). Last evaluated 2025-09-10.

Conditions:
Primary immunodeficiency with natural-killer cell deficiency and adrenal insufficiency (IMD54). Also called: IMMUNODEFICIENCY 54; Natural killer cell and glucocorticoid deficiency with DNA repair defect. Identifiers: Orphanet 75391, MedGen C1864947, MONDO:0012383, OMIM 609981.

gnomAD v4.1: 11 of 1,614,050 alleles (0.00068%); highest among the groups gnomAD compares: East Asian, 0.0022%; no homozygotes.

Submissions (3):

Ambry Genetics
Classification: Uncertain significance. Last evaluated: 2025-09-10. Review status: criteria provided, single submitter. Criteria: Ambry Variant Classification Scheme 2023. Collection method: clinical testing. Allele origin: germline.

Labcorp Genetics (formerly Invitae), Labcorp
Classification: Uncertain significance. Last evaluated: 2022-09-01. Review status: criteria provided, single submitter. Criteria: Invitae Variant Classification Sherloc (09022015). Collection method: clinical testing. Allele origin: germline.
Comment: In summary, the available evidence is currently insufficient to determine the role of this variant in disease. Therefore, it has been classified as a Variant of Uncertain Significance. Algorithms developed to predict the effect of missense changes on protein structure and function (SIFT, PolyPhen-2, Align-GVGD) all suggest that this variant is likely to be disruptive. ClinVar contains an entry for this variant (Variation ID: 910774). This variant has not been reported in the literature in individuals affected with MCM4-related conditions. This variant is not present in population databases (gnomAD no frequency). This sequence change replaces tyrosine, which is neutral and polar, with cysteine, which is neutral and slightly polar, at codon 671 of the MCM4 protein (p.Tyr671Cys).

Illumina Laboratory Services, Illumina
Classification: Uncertain significance for Primary immunodeficiency with natural-killer cell deficiency and adrenal insufficiency. Last evaluated: 2018-01-12. Review status: criteria provided, single submitter. Criteria: ICSL Variant Classification Criteria 13 December 2019. Collection method: clinical testing. Allele origin: germline.